The following is an entry in ClinVar:

NM_001197104.2(KMT2A):c.4877A>C (p.Asn1626Thr)

Gene: KMT2A (lysine methyltransferase 2A; plus strand). Cytogenetic location: 11q23.3.
Variant type: single nucleotide variant.
Coding change: c.4877A>C on transcript NM_001197104.2 (MANE Select); coding-DNA position 4877, A replaced by C.
Protein change: p.Asn1626Thr; replaces asparagine 1626 with threonine.
Molecular consequence: missense variant.
Genome position (GRCh38, 1-based): chr11:118,491,801, A>C. VCF-style: chr11-118491801-A-C. GRCh37 (hg19) VCF-style: chr11-118362516-A-C.
Other names: c.4967A>C, p.Asn1656Thr (NM_001412597.1); c.4868A>C, p.Asn1623Thr (NM_005933.4); short protein forms N1623T, N1626T, N1656T.
Identifiers: ClinVar variation 3907161 (VCV003907161.1).

ClinVar aggregate classification (germline): Uncertain significance (1 of 4 stars; one submission).

Submission:

Women's Health and Genetics/Laboratory Corporation of America, LabCorp
Classification: Uncertain significance. Last evaluated: 2025-06-12. Review status: criteria provided, single submitter. Criteria: LabCorp Variant Classification Summary - May 2015. Collection method: clinical testing. Allele origin: germline.
Comment: Variant summary: KMT2A c.4877A>C (p.Asn1626Thr) results in a non-conservative amino acid change in the encoded protein sequence. Algorithms developed to predict the effect of missense changes on protein structure and function all suggest that this variant is likely to be disruptive. The variant was absent in 251482 control chromosomes. The available data on variant occurrences in the general population are insufficient to allow any conclusion about variant significance. To our knowledge, no occurrence of c.4877A>C in individuals affected with Wiedemann-Steiner Syndrome and no experimental evidence demonstrating its impact on protein function have been reported. No submitters have cited clinical-significance assessments for this variant to ClinVar. Based on the evidence outlined above, the variant was classified as uncertain significance.